The following is an entry in ClinVar:

ClinVar aggregate classification (germline): Conflicting classifications of pathogenicity. Review status: criteria provided, conflicting classifications (1 of 4 stars). 4 submissions from 4 submitters: Uncertain significance (1); Benign (1); Likely benign (2). Last evaluated 2025-12-16.

Conditions:
Farber lipogranulomatosis (FRBRL). Also called: Farber's lipogranulomatosis; AC DEFICIENCY; ACID CERAMIDASE DEFICIENCY; CERAMIDASE DEFICIENCY; N-LAURYLSPHINGOSINE DEACYLASE DEFICIENCY; Farber's disease. Identifiers: Orphanet 333, MedGen C0268255, MONDO:0009218, OMIM 228000.

Allele frequency attached by ClinVar (database versions not stated): gnomAD below 0.00001 and 0.00007; TOPMed below 0.00001; ExAC 0.00041; 1000 Genomes Project 30x 0.00047; 1000 Genomes Project 0.00060.
gnomAD v4.1: 197 of 1,604,740 alleles (0.012%); highest among the groups gnomAD compares: South Asian, 0.19%; 4 homozygotes.

Submissions (4):

Labcorp Genetics (formerly Invitae), Labcorp
Classification: Benign. Last evaluated: 2025-12-16. Review status: criteria provided, single submitter. Criteria: Invitae Variant Classification Sherloc (09022015). Collection method: clinical testing. Allele origin: germline.

Blueprint Genetics
Classification: Likely benign. Last evaluated: 2024-10-21. Review status: criteria provided, single submitter. Criteria: ACMG Guidelines, 2015. Collection method: clinical testing. Allele origin: germline.

CeGaT Center for Human Genetics Tuebingen
Classification: Likely benign. Last evaluated: 2024-02-01. Review status: criteria provided, single submitter. Criteria: CeGaT Center For Human Genetics Tuebingen Variant Classification Criteria Version 2. Collection method: clinical testing. Allele origin: germline. Affected: yes. Observed: 4 variant alleles.
Comment: ASAH1: BP4, BP7, BS2

Illumina Laboratory Services, Illumina
Classification: Uncertain significance for Farber lipogranulomatosis. Last evaluated: 2018-01-12. Review status: criteria provided, single submitter. Criteria: ICSL Variant Classification Criteria 13 December 2019. Collection method: clinical testing. Allele origin: germline.

NM_177924.5(ASAH1):c.183A>G (p.Arg61=)

Gene: ASAH1 (N-acylsphingosine amidohydrolase 1; minus strand). Cytogenetic location: 8p22.
Variant type: single nucleotide variant.
Coding change: c.183A>G on transcript NM_177924.5 (MANE Select); coding-DNA position 183, A replaced by G.
Protein change: p.Arg61=; no amino-acid change (arginine 61 retained).
Molecular consequence: synonymous variant. On other transcripts: 5 prime UTR variant (1).
Genome position (GRCh38, 1-based): chr8:18,071,333, T>C on the plus strand (A>G on the coding strand, the complement: ASAH1 is on the minus strand). VCF-style: chr8-18071333-T-C. GRCh37 (hg19) VCF-style: chr8-17928842-T-C.
Other names: c.252A>G, p.Arg84= (NM_001127505.3); c.-13A>G (NM_001363743.2); c.231A>G, p.Arg77= (NM_004315.6).
Identifiers: ClinVar variation 362384 (VCV000362384.37), dbSNP rs559209309, ClinGen allele CA4650992.